The following is an entry in ClinVar:

NM_170784.3(MKKS):c.1272+6T>C

Gene: MKKS (MKKS centrosomal shuttling protein; minus strand). Cytogenetic location: 20p12.2.
Variant type: single nucleotide variant.
Coding change: c.1272+6T>C on transcript NM_170784.3 (MANE Select); 6 bases into the intron after coding-DNA position 1272, T replaced by C.
Molecular consequence: intron variant.
Genome position (GRCh38, 1-based): chr20:10,407,610, A>G on the plus strand (T>C on the coding strand, the complement: MKKS is on the minus strand). VCF-style: chr20-10407610-A-G. GRCh37 (hg19) VCF-style: chr20-10388258-A-G.
Other names: c.1272+6T>C (NM_018848.3).
Identifiers: ClinVar variation 864240 (VCV000864240.7), dbSNP rs2064851919, ClinGen allele CA916083740.
Genomic context (GRCh38, chr20:10,407,610, plus strand): 5'-CTTATTATCTCAGAAAACAAAAGTTGCTGAGAATTCAGGTAATCCGAAGAGGATTATCTT[A>G]CATACCTTGTGTCTGATATATGCAGCCAAATGAGTTTCAGTACAGCCACCTCCCAACAAA-3'

ClinVar aggregate classification (germline): Uncertain significance (1 of 4 stars; one submission).

Conditions:
Bardet-Biedl syndrome (BBS). Identifiers: Orphanet 110, MedGen C0752166, MONDO:0015229.
McKusick-Kaufman syndrome (MKKS). Also called: HYDROMETROCOLPOS SYNDROME; HYDROMETROCOLPOS, POSTAXIAL POLYDACTYLY, AND CONGENITAL HEART MALFORMATION. Identifiers: Orphanet 2473, MedGen C0948368, MONDO:0009367, OMIM 236700.

Submission:

Labcorp Genetics (formerly Invitae), Labcorp
Classification: Uncertain significance for McKusick-Kaufman syndrome; Bardet-Biedl syndrome. Last evaluated: 2021-08-31. Review status: criteria provided, single submitter. Criteria: Invitae Variant Classification Sherloc (09022015). Collection method: clinical testing. Allele origin: germline.
Comment: This sequence change falls in intron 5 of the MKKS gene. It does not directly change the encoded amino acid sequence of the MKKS protein. It affects a nucleotide within the consensus splice site of the intron. This variant is not present in population databases (ExAC no frequency). This variant has not been reported in the literature in individuals affected with MKKS-related conditions. Variants that disrupt the consensus splice site are a relatively common cause of aberrant splicing (PMID: 17576681, 9536098). Algorithms developed to predict the effect of sequence changes on RNA splicing suggest that this variant is not likely to affect RNA splicing. In summary, the available evidence is currently insufficient to determine the role of this variant in disease. Therefore, it has been classified as a Variant of Uncertain Significance.

Literature cited by the submitters: PubMed 17576681; PubMed 9536098.